The following is an entry in ClinVar:

ClinVar aggregate classification (germline): Uncertain significance (1 of 4 stars; one submission).

Conditions:
Hereditary breast ovarian cancer syndrome. Also called: Hereditary breast and ovarian cancer syndrome; Breast and ovarian cancer; BRCA1- and BRCA2-Associated Hereditary Breast and Ovarian Cancer; Hereditary breast and ovarian cancer syndrome (HBOC); Hereditary breast and/or ovarian cancer syndrome; Hereditary breast and ovarian cancer. Identifiers: Orphanet 145, MedGen C0677776, MeSH D061325, MONDO:0003582. Disease mechanism: loss of function.

Allele frequency attached by ClinVar (database versions not stated): gnomAD exomes below 0.00001.
gnomAD v4.1: 1 of 1,612,158 alleles (0.000062%); highest among the groups gnomAD compares: East Asian, 0.0022%; no homozygotes.

Submission:

Labcorp Genetics (formerly Invitae), Labcorp
Classification: Uncertain significance for Hereditary breast ovarian cancer syndrome. Last evaluated: 2023-01-01. Review status: criteria provided, single submitter. Criteria: Invitae Variant Classification Sherloc (09022015). Collection method: clinical testing. Allele origin: germline.
Comment: In summary, the available evidence is currently insufficient to determine the role of this variant in disease. Therefore, it has been classified as a Variant of Uncertain Significance. Variants that disrupt the consensus splice site are a relatively common cause of aberrant splicing (PMID: 17576681, 9536098). Algorithms developed to predict the effect of sequence changes on RNA splicing suggest that this variant is not likely to affect RNA splicing. This variant has not been reported in the literature in individuals affected with BRCA2-related conditions. This variant is not present in population databases (gnomAD no frequency). This sequence change falls in intron 22 of the BRCA2 gene. It does not directly change the encoded amino acid sequence of the BRCA2 protein. It affects a nucleotide within the consensus splice site.

Literature cited by the submitters: PubMed 17576681; PubMed 9536098.

NM_000059.4(BRCA2):c.8953+3A>G

Gene: BRCA2 (BRCA2 DNA repair associated; plus strand). Cytogenetic location: 13q13.1.
Variant type: single nucleotide variant.
Coding change: c.8953+3A>G on transcript NM_000059.4 (MANE Select); 3 bases into the intron after coding-DNA position 8953, A replaced by G.
Molecular consequence: intron variant.
Genome position (GRCh38, 1-based): chr13:32,379,518, A>G. VCF-style: chr13-32379518-A-G. GRCh37 (hg19) VCF-style: chr13-32953655-A-G.
Other names: c.8953+3A>G (NM_001406720.1); c.8857+3A>G (NM_001406719.1); c.4021+3A>G (NM_001406721.1); c.2536+3A>G (NM_001406722.1).
Identifiers: ClinVar variation 2801027 (VCV002801027.3), dbSNP rs2137620825, ClinGen allele CA2622601799.